The following is an entry in ClinVar:

ClinVar aggregate classification (germline): Uncertain significance (1 of 4 stars; one submission).

Conditions:
Glycogen storage disease due to muscle beta-enolase deficiency (GSD13). Also called: ENOLASE 3 DEFICIENCY; ENOLASE-BETA DEFICIENCY; GSD XIII; Glycogen Storage Disease Type XIII. Identifiers: Orphanet 99849, MedGen C2752027, MONDO:0013046, OMIM 612932.

gnomAD v4.1: 45 of 1,614,124 alleles (0.0028%); highest among the groups gnomAD compares: Non-Finnish European, 0.0037%; no homozygotes.

Submission:

Labcorp Genetics (formerly Invitae), Labcorp
Classification: Uncertain significance for Glycogen storage disease due to muscle beta-enolase deficiency. Last evaluated: 2024-09-28. Review status: criteria provided, single submitter. Criteria: Invitae Variant Classification Sherloc (09022015). Collection method: clinical testing. Allele origin: germline.
Comment: This sequence change replaces lysine, which is basic and polar, with asparagine, which is neutral and polar, at codon 420 of the ENO3 protein (p.Lys420Asn). This variant is not present in population databases (gnomAD no frequency). This variant has not been reported in the literature in individuals affected with ENO3-related conditions. Invitae Evidence Modeling of protein sequence and biophysical properties (such as structural, functional, and spatial information, amino acid conservation, physicochemical variation, residue mobility, and thermodynamic stability) indicates that this missense variant is not expected to disrupt ENO3 protein function with a negative predictive value of 80%. In summary, the available evidence is currently insufficient to determine the role of this variant in disease. Therefore, it has been classified as a Variant of Uncertain Significance.

NM_053013.4(ENO3):c.1260G>C (p.Lys420Asn)

Gene: ENO3 (enolase 3; plus strand). Cytogenetic location: 17p13.2.
Variant type: single nucleotide variant.
Coding change: c.1260G>C on transcript NM_053013.4 (MANE Select); coding-DNA position 1260, G replaced by C.
Protein change: p.Lys420Asn; replaces lysine 420 with asparagine.
Molecular consequence: missense variant.
Genome position (GRCh38, 1-based): chr17:4,957,002, G>C. VCF-style: chr17-4957002-G-C. GRCh37 (hg19) VCF-style: chr17-4860297-G-C.
Other names: c.1131G>C, p.Lys377Asn (NM_001193503.2); c.1260G>C, p.Lys420Asn (NM_001374523.1, NM_001976.5); c.1287G>C, p.Lys429Asn (NM_001374524.1); short protein forms K377N, K420N, K429N.
Identifiers: ClinVar variation 3696375 (VCV003696375.2).
Genomic context (GRCh38, chr17:4,957,002, plus strand): 5'-GGAAGTTCAGCAGCCCTAACCTTGCCTGCATTCTAGGATCGAGGAGGCTCTTGGGGACAA[G>C]GCAATCTTTGCTGGACGCAAGTTCCGTAACCCGAAGGCCAAGTGAGAAGCTGGAGGCTCC-3'
Protein context (NP_443739.3, residues 410-430): LMRIEEALGD[Lys420Asn]AIFAGRKFRN